The following is an entry in ClinVar:

ClinVar aggregate classification (germline): Uncertain significance (1 of 4 stars; one submission).

Submission:

Labcorp Genetics (formerly Invitae), Labcorp
Classification: Uncertain significance. Last evaluated: 2023-11-04. Review status: criteria provided, single submitter. Criteria: Invitae Variant Classification Sherloc (09022015). Collection method: clinical testing. Allele origin: germline.
Comment: This sequence change replaces glycine, which is neutral and non-polar, with alanine, which is neutral and non-polar, at codon 470 of the LRRC8A protein (p.Gly470Ala). This variant is not present in population databases (gnomAD no frequency). This variant has not been reported in the literature in individuals affected with LRRC8A-related conditions. An algorithm developed to predict the effect of missense changes on protein structure and function (PolyPhen-2) suggests that this variant is likely to be tolerated. In summary, the available evidence is currently insufficient to determine the role of this variant in disease. Therefore, it has been classified as a Variant of Uncertain Significance.

NM_019594.4(LRRC8A):c.1409G>C (p.Gly470Ala)

Gene: LRRC8A (leucine rich repeat containing 8 VRAC subunit A; plus strand). Cytogenetic location: 9q34.11.
Variant type: single nucleotide variant.
Coding change: c.1409G>C on transcript NM_019594.4 (MANE Select); coding-DNA position 1409, G replaced by C.
Protein change: p.Gly470Ala; replaces glycine 470 with alanine.
Molecular consequence: missense variant.
Genome position (GRCh38, 1-based): chr9:128,908,573, G>C. VCF-style: chr9-128908573-G-C. GRCh37 (hg19) VCF-style: chr9-131670852-G-C.
Other names: c.1409G>C, p.Gly470Ala (NM_001127244.2, NM_001127245.2); short protein forms G470A.
Identifiers: ClinVar variation 2693275 (VCV002693275.3), dbSNP rs1363631797, ClinGen allele CA375081138.